The following is an entry in ClinVar:

ClinVar aggregate classification (germline): Conflicting classifications of pathogenicity. Review status: criteria provided, conflicting classifications (1 of 4 stars). 6 submissions from 6 submitters: Uncertain significance (3); Likely benign (2). 1 of the submissions does not count toward it. Last evaluated 2026-08-31.

Conditions:
Inborn genetic diseases. Identifiers: MedGen C0950123, MeSH D030342.
Retinitis pigmentosa (RP). Identifiers: Orphanet 791, MedGen C0035334, MeSH D012174, MONDO:0019200, OMIM 268000. Inheritance: Autosomal dominant, autosomal recessive and X linked inheritance.
PDE6A-related disorder. Also called: PDE6A-related condition.
Retinal dystrophy. Also called: Inherited retinal dystrophy. Identifiers: Orphanet 71862, MedGen C0854723, MeSH D058499, MONDO:0019118, HP:0000556.
Retinitis pigmentosa 43 (RP43). Identifiers: Orphanet 791, MedGen C3151139, MONDO:0013437, OMIM 613810.

Allele frequency attached by ClinVar (database versions not stated): gnomAD exomes 0.00010 and 0.00021; gnomAD 0.00011 and 0.00020; ExAC 0.00020; ESP Exome Variant Server 0.00023; TOPMed 0.00023.
gnomAD v4.1: 180 of 1,613,824 alleles (0.011%); highest among the groups gnomAD compares: Admixed American, 0.038%; no homozygotes.

Submissions (6):

PreventionGenetics, part of Exact Sciences
Classification: Uncertain significance for PDE6A-related condition. Last evaluated: 2026-08-31. Review status: criteria provided, single submitter. Criteria: ACMG Guidelines, 2015. Collection method: clinical testing. Allele origin: germline.
Comment: The PDE6A c.853C>A variant is predicted to result in the amino acid substitution p.Gln285Lys. To our knowledge, this variant has not been reported in the literature. This variant is reported in 0.11% of alleles in individuals of Ashkenazi Jewish descent in gnomAD, which may be too frequent to be a primary cause of disease. Although we suspect that this variant may be benign, at this time, the clinical significance of this variant is uncertain due to the absence of conclusive functional and genetic evidence.

Labcorp Genetics (formerly Invitae), Labcorp
Classification: Likely benign. Last evaluated: 2026-01-26. Review status: criteria provided, single submitter. Criteria: Invitae Variant Classification Sherloc (09022015). Collection method: clinical testing. Allele origin: germline.

Blueprint Genetics
Classification: Likely benign. Last evaluated: 2024-11-26. Review status: criteria provided, single submitter. Criteria: ACMG Guidelines, 2015. Collection method: clinical testing. Allele origin: germline.

Ambry Genetics
Classification: Uncertain significance for Inborn genetic diseases. Last evaluated: 2024-05-15. Review status: criteria provided, single submitter. Criteria: Ambry Variant Classification Scheme 2023. Collection method: clinical testing. Allele origin: germline.

Illumina Laboratory Services, Illumina
Classification: Uncertain significance for Retinitis pigmentosa. Last evaluated: 2018-01-13. Review status: criteria provided, single submitter. Criteria: ICSL Variant Classification Criteria 13 December 2019. Collection method: clinical testing. Allele origin: germline.

Institute of Human Genetics, Univ. Regensburg, Univ. Regensburg
Classification: Uncertain significance for Retinal dystrophy. Last evaluated: 2023-01-01. Review status: no assertion criteria provided. Criteria: ACMG Guidelines, 2015. Collection method: clinical testing. Allele origin: germline. Affected: yes. Not counted in ClinVar's aggregate classification.

NM_000440.3(PDE6A):c.853C>A (p.Gln285Lys)

Gene: PDE6A (phosphodiesterase 6A; minus strand). Cytogenetic location: 5q32.
Variant type: single nucleotide variant.
Coding change: c.853C>A on transcript NM_000440.3 (MANE Select); coding-DNA position 853, C replaced by A.
Protein change: p.Gln285Lys; replaces glutamine 285 with lysine.
Molecular consequence: missense variant.
Genome position (GRCh38, 1-based): chr5:149,931,033, G>T on the plus strand (C>A on the coding strand, the complement: PDE6A is on the minus strand). VCF-style: chr5-149931033-G-T. GRCh37 (hg19) VCF-style: chr5-149310596-G-T.
Other names: short protein forms Q285K.
Identifiers: ClinVar variation 351993 (VCV000351993.17), dbSNP rs201406216, ClinGen allele CA3504933.